The following is an entry in ClinVar:

ClinVar aggregate classification (germline): Likely pathogenic (1 of 4 stars; one submission).

Conditions:
Arthrogryposis multiplex congenita 1, neurogenic, with myelin defect. Also called: Arthrogryposis multiplex congenita, neurogenic, with myelin defect. Identifiers: MedGen C4479539, MONDO:0060486, OMIM 617468.

Submission:

First Genomix Gene Laboratory, Genetic Diagnostics Department
Classification: Likely pathogenic for Arthrogryposis multiplex congenita 1, neurogenic, with myelin defect. Last evaluated: 2025-03-14. Review status: criteria provided, single submitter. Criteria: ACMG Guidelines, 2015. Collection method: clinical testing. Allele origin: germline. Inheritance: Autosomal recessive inheritance. Affected: no. Observed: 1 variant allele.

NM_139284.3(LGI4):c.869dup (p.Ser291fs)

Gene: LGI4 (leucine rich repeat LGI family member 4; minus strand). Cytogenetic location: 19q13.12.
Variant type: Duplication.
Coding change: c.869dup on transcript NM_139284.3 (MANE Select); coding-DNA position 869, one base duplicated (G; older notation c.869dupG).
Protein change: p.Ser291fs; shifts the reading frame from serine 291.
Molecular consequence: frameshift variant.
Genome position (GRCh38, 1-based): chr19:35,126,700, C duplicated on the plus strand (G on the coding strand, the reverse complement: LGI4 is on the minus strand); the first of 7 consecutive C bases (chr19:35,126,700-35,126,706); duplicating any one gives the same sequence. VCF-style (leftmost placement, unchanged base first): chr19-35126699-G-GC. GRCh37 (hg19) VCF-style: chr19-35617603-G-GC.
Other names: c.869dupG (NM_139284.3); short protein forms S291fs.
Identifiers: ClinVar variation 4845822 (VCV004845822.1).